The following is an entry in ClinVar:

ClinVar aggregate classification (germline): Uncertain significance. Review status: criteria provided, multiple submitters, no conflicts (2 of 4 stars). 2 submissions from 2 submitters: Uncertain significance (2). Last evaluated 2025-04-13.

Allele frequency attached by ClinVar (database versions not stated): gnomAD exomes below 0.00001; TOPMed 0.00001.

Submissions (2):

Ambry Genetics
Classification: Uncertain significance. Last evaluated: 2025-04-13. Review status: criteria provided, single submitter. Criteria: Ambry Variant Classification Scheme 2023. Collection method: clinical testing. Allele origin: germline.
Comment: The p.T625A variant (also known as c.1873A>G), located in coding exon 1 of the TET2 gene, results from an A to G substitution at nucleotide position 1873. The threonine at codon 625 is replaced by alanine, an amino acid with similar properties. This amino acid position is conserved. In addition, this alteration is predicted to be tolerated by in silico analysis. Based on the available evidence, the clinical significance of this variant remains unclear.

Labcorp Genetics (formerly Invitae), Labcorp
Classification: Uncertain significance. Last evaluated: 2022-09-15. Review status: criteria provided, single submitter. Criteria: Invitae Variant Classification Sherloc (09022015). Collection method: clinical testing. Allele origin: germline.
Comment: This sequence change replaces threonine, which is neutral and polar, with alanine, which is neutral and non-polar, at codon 625 of the TET2 protein (p.Thr625Ala). This variant is present in population databases (no rsID available, gnomAD 0.003%). This variant has not been reported in the literature in individuals affected with TET2-related conditions. Algorithms developed to predict the effect of missense changes on protein structure and function output the following: SIFT: "Tolerated"; PolyPhen-2: "Benign"; Align-GVGD: "Class C0". The alanine amino acid residue is found in multiple mammalian species, which suggests that this missense change does not adversely affect protein function. In summary, the available evidence is currently insufficient to determine the role of this variant in disease. Therefore, it has been classified as a Variant of Uncertain Significance.

NM_001127208.3(TET2):c.1873A>G (p.Thr625Ala)

Genes: TET2 (tet methylcytosine dioxygenase 2; plus strand), TET2-AS1 (TET2 antisense RNA 1; minus strand). Cytogenetic location: 4q24.
Variant type: single nucleotide variant.
Coding change: c.1873A>G on transcript NM_001127208.3 (MANE Select); coding-DNA position 1873, A replaced by G.
Protein change: p.Thr625Ala; replaces threonine 625 with alanine.
Molecular consequence: missense variant.
Genome position (GRCh38, 1-based): chr4:105,235,815, A>G. VCF-style: chr4-105235815-A-G. GRCh37 (hg19) VCF-style: chr4-106156972-A-G.
Other names: c.1873A>G, p.Thr625Ala (NM_017628.4); short protein forms T625A.
Identifiers: ClinVar variation 2109856 (VCV002109856.5), dbSNP rs1209432639, ClinGen allele CA357796728.